The following is an entry in ClinVar:

NM_001367916.1(MAGT1):c.462T>A (p.Tyr154Ter)

Gene: MAGT1 (magnesium transporter 1; minus strand). Cytogenetic location: Xq21.1.
Variant type: single nucleotide variant.
Coding change: c.462T>A on transcript NM_001367916.1 (MANE Select); coding-DNA position 462, T replaced by A.
Protein change: p.Tyr154Ter; replaces tyrosine 154 with a stop codon.
Molecular consequence: nonsense.
Genome position (GRCh38, 1-based): chrX:77,857,426, A>T on the plus strand (T>A on the coding strand, the complement: MAGT1 is on the minus strand). VCF-style: chrX-77857426-A-T. GRCh37 (hg19) VCF-style: chrX-77112923-A-T.
Other names: c.558T>A, p.Tyr186Ter (NM_032121.5); short protein forms Y186*, Y154*.
Identifiers: ClinVar variation 2808207 (VCV002808207.3), dbSNP rs2076984121, ClinGen allele CA413714244.

ClinVar aggregate classification (germline): Pathogenic (1 of 4 stars; one submission).

Conditions:
X-linked immunodeficiency with magnesium defect, Epstein-Barr virus infection and neoplasia. Identifiers: Orphanet 317476, MedGen C3275445, MONDO:0010455, OMIM 300853.

Submission:

Labcorp Genetics (formerly Invitae), Labcorp
Classification: Pathogenic for X-linked immunodeficiency with magnesium defect, Epstein-Barr virus infection and neoplasia. Last evaluated: 2024-09-29. Review status: criteria provided, single submitter. Criteria: Invitae Variant Classification Sherloc (09022015). Collection method: clinical testing. Allele origin: germline.
Comment: This sequence change creates a premature translational stop signal (p.Tyr186*) in the MAGT1 gene. It is expected to result in an absent or disrupted protein product. Loss-of-function variants in MAGT1 are known to be pathogenic (PMID: 24550228). This variant is not present in population databases (gnomAD no frequency). This variant has not been reported in the literature in individuals affected with MAGT1-related conditions. For these reasons, this variant has been classified as Pathogenic.

Literature cited by the submitters: PubMed 24550228.